The following is an entry in ClinVar:

NM_004423.4(DVL3):c.1559C>T (p.Thr520Ile)

Gene: DVL3 (dishevelled segment polarity protein 3; plus strand). Cytogenetic location: 3q27.1.
Variant type: single nucleotide variant.
Coding change: c.1559C>T on transcript NM_004423.4 (MANE Select); coding-DNA position 1559, C replaced by T.
Protein change: p.Thr520Ile; replaces threonine 520 with isoleucine.
Molecular consequence: missense variant.
Genome position (GRCh38, 1-based): chr3:184,170,066, C>T. VCF-style: chr3-184170066-C-T. GRCh37 (hg19) VCF-style: chr3-183887854-C-T.
Other names: short protein forms T520I.
Identifiers: ClinVar variation 3699901 (VCV003699901.2).

ClinVar aggregate classification (germline): Uncertain significance (1 of 4 stars; one submission).

gnomAD v4.1: 3 of 1,613,942 alleles (0.00019%); highest among the groups gnomAD compares: Non-Finnish European, 0.00025%; no homozygotes.

Submission:

Labcorp Genetics (formerly Invitae), Labcorp
Classification: Uncertain significance. Last evaluated: 2024-03-15. Review status: criteria provided, single submitter. Criteria: Invitae Variant Classification Sherloc (09022015). Collection method: clinical testing. Allele origin: germline.
Comment: This sequence change replaces threonine, which is neutral and polar, with isoleucine, which is neutral and non-polar, at codon 520 of the DVL3 protein (p.Thr520Ile). This variant is not present in population databases (gnomAD no frequency). This variant has not been reported in the literature in individuals affected with DVL3-related conditions. Advanced modeling of protein sequence and biophysical properties (such as structural, functional, and spatial information, amino acid conservation, physicochemical variation, residue mobility, and thermodynamic stability) performed at Invitae indicates that this missense variant is not expected to disrupt DVL3 protein function with a negative predictive value of 80%. In summary, the available evidence is currently insufficient to determine the role of this variant in disease. Therefore, it has been classified as a Variant of Uncertain Significance.